The following is an entry in ClinVar:

ClinVar aggregate classification (germline): Uncertain significance. Review status: criteria provided, multiple submitters, no conflicts (2 of 4 stars). 2 submissions from 2 submitters: Uncertain significance (2). Last evaluated 2024-09-27.

Conditions:
Familial infantile myasthenia (CMS6). Also called: Congenital myasthenic syndrome type 6; MYASTHENIC SYNDROME, PRESYNAPTIC, CONGENITAL, ASSOCIATED WITH EPISODIC APNEA; MYASTHENIC SYNDROME, CONGENITAL, 6, PRESYNAPTIC. Identifiers: Orphanet 590, MedGen C0393929, MONDO:0009689, OMIM 254210.
Inborn genetic diseases. Identifiers: MedGen C0950123, MeSH D030342.

Allele frequency attached by ClinVar (database versions not stated): gnomAD exomes 0.00003 and 0.00006; gnomAD 0.00006 and 0.00007; ExAC 0.00007; TOPMed 0.00007; 1000 Genomes Project 0.00020; 1000 Genomes Project 30x 0.00031.

Submissions (2):

Labcorp Genetics (formerly Invitae), Labcorp
Classification: Uncertain significance for Familial infantile myasthenia. Last evaluated: 2024-09-27. Review status: criteria provided, single submitter. Criteria: Invitae Variant Classification Sherloc (09022015). Collection method: clinical testing. Allele origin: germline.
Comment: This sequence change replaces cysteine, which is neutral and slightly polar, with phenylalanine, which is neutral and non-polar, at codon 487 of the CHAT protein (p.Cys487Phe). This variant is present in population databases (rs201293521, gnomAD 0.02%). This variant has not been reported in the literature in individuals affected with CHAT-related conditions. ClinVar contains an entry for this variant (Variation ID: 650509). Invitae Evidence Modeling of protein sequence and biophysical properties (such as structural, functional, and spatial information, amino acid conservation, physicochemical variation, residue mobility, and thermodynamic stability) indicates that this missense variant is not expected to disrupt CHAT protein function with a negative predictive value of 95%. In summary, the available evidence is currently insufficient to determine the role of this variant in disease. Therefore, it has been classified as a Variant of Uncertain Significance.

Ambry Genetics
Classification: Uncertain significance for Inborn genetic diseases. Last evaluated: 2021-11-16. Review status: criteria provided, single submitter. Criteria: Ambry Variant Classification Scheme 2023. Collection method: clinical testing. Allele origin: germline.

NM_020549.5(CHAT):c.1460G>T (p.Cys487Phe)

Gene: CHAT (choline O-acetyltransferase; plus strand). Cytogenetic location: 10q11.23.
Variant type: single nucleotide variant.
Coding change: c.1460G>T on transcript NM_020549.5 (MANE Select); coding-DNA position 1460, G replaced by T.
Protein change: p.Cys487Phe; replaces cysteine 487 with phenylalanine.
Molecular consequence: missense variant.
Genome position (GRCh38, 1-based): chr10:49,649,585, G>T. VCF-style: chr10-49649585-G-T. GRCh37 (hg19) VCF-style: chr10-50857631-G-T.
Other names: c.1106G>T, p.Cys369Phe (NM_001142929.2, NM_001142934.2, NM_020984.4 and 2 more transcripts); c.1214G>T, p.Cys405Phe (NM_001142933.2); short protein forms C405F, C369F, C487F.
Identifiers: ClinVar variation 650509 (VCV000650509.8), dbSNP rs201293521, ClinGen allele CA5497512.